The following is an entry in ClinVar:

NM_012254.3(SLC27A5):c.81C>T (p.Val27=)

Gene: SLC27A5 (solute carrier family 27 member 5; minus strand). Cytogenetic location: 19q13.43.
Variant type: single nucleotide variant.
Coding change: c.81C>T on transcript NM_012254.3 (MANE Select); coding-DNA position 81, C replaced by T.
Protein change: p.Val27=; no amino-acid change (valine 27 retained).
Molecular consequence: synonymous variant.
Genome position (GRCh38, 1-based): chr19:58,511,875, G>A on the plus strand (C>T on the coding strand, the complement: SLC27A5 is on the minus strand). VCF-style: chr19-58511875-G-A. GRCh37 (hg19) VCF-style: chr19-59023242-G-A.
Other names: c.81C>T, p.Val27= (NM_001321196.2).
Identifiers: ClinVar variation 3355229 (VCV003355229.1).

ClinVar aggregate classification (germline): Likely benign (0 of 4 stars; one submission).

Conditions:
SLC27A5-related disorder. Also called: SLC27A5-related condition.

gnomAD v4.1: 11 of 1,552,764 alleles (0.00071%); highest among the groups gnomAD compares: Admixed American, 0.0058%; no homozygotes.

Submission:

PreventionGenetics, part of Exact Sciences
Classification: Likely benign for SLC27A5-related condition. Last evaluated: 2024-08-14. Review status: no assertion criteria provided. Collection method: clinical testing. Allele origin: germline.
Comment: This variant is classified as likely benign based on ACMG/AMP sequence variant interpretation guidelines (Richards et al. 2015 PMID: 25741868, with internal and published modifications).